The following is an entry in ClinVar:

NM_006031.6(PCNT):c.4431G>A (p.Gln1477=)

Gene: PCNT (pericentrin; plus strand). Cytogenetic location: 21q22.3.
Variant type: single nucleotide variant.
Coding change: c.4431G>A on transcript NM_006031.6 (MANE Select); coding-DNA position 4431, G replaced by A.
Protein change: p.Gln1477=; no amino-acid change (glutamine 1477 retained).
Molecular consequence: synonymous variant.
Genome position (GRCh38, 1-based): chr21:46,397,479, G>A. VCF-style: chr21-46397479-G-A. GRCh37 (hg19) VCF-style: chr21-47817393-G-A.
Other names: c.4077G>A, p.Gln1359= (NM_001315529.2).
Identifiers: ClinVar variation 159603 (VCV000159603.12), dbSNP rs61735807, ClinGen allele CA251068.

ClinVar aggregate classification (germline): Conflicting classifications of pathogenicity. Review status: criteria provided, conflicting classifications (1 of 4 stars). 4 submissions from 4 submitters: Uncertain significance (1); Likely benign (2). 1 of the submissions does not count toward it. Last evaluated 2025-08-10.

Conditions:
PCNT-related disorder. Also called: PCNT-related condition.
Microcephalic osteodysplastic primordial dwarfism type II (MOPD2). Also called: MOPD II; OSTEODYSPLASTIC PRIMORDIAL DWARFISM, TYPE II; Microcephalic osteodysplastic primordial dwarfism with tooth abnormalities. Identifiers: Orphanet 2637, MedGen C0432246, MONDO:0008872, OMIM 210720.

Allele frequency attached by ClinVar (database versions not stated): ExAC 0.00001; gnomAD exomes 0.00001 and 0.00002; TOPMed 0.00001.

Submissions (4):

Labcorp Genetics (formerly Invitae), Labcorp
Classification: Likely benign. Last evaluated: 2025-08-10. Review status: criteria provided, single submitter. Criteria: Invitae Variant Classification Sherloc (09022015). Collection method: clinical testing. Allele origin: germline.

Blueprint Genetics
Classification: Likely benign. Last evaluated: 2024-09-18. Review status: criteria provided, single submitter. Criteria: ACMG Guidelines, 2015. Collection method: clinical testing. Allele origin: germline.

Genetic Services Laboratory, University of Chicago
Classification: Uncertain significance for Microcephalic osteodysplastic primordial dwarfism, type II. Last evaluated: 2013-03-04. Review status: criteria provided, single submitter. Criteria: ACMG Guidelines, 2007. Collection method: clinical testing. Allele origin: germline. Inheritance: Autosomal recessive inheritance.

PreventionGenetics, part of Exact Sciences
Classification: Likely benign for PCNT-related condition. Last evaluated: 2023-02-28. Review status: no assertion criteria provided. Collection method: clinical testing. Allele origin: germline. Not counted in ClinVar's aggregate classification.
Comment: This variant is classified as likely benign based on ACMG/AMP sequence variant interpretation guidelines (Richards et al. 2015 PMID: 25741868, with internal and published modifications).